The following is an entry in ClinVar:

NM_053025.4(MYLK):c.2203G>A (p.Gly735Ser)

Gene: MYLK (myosin light chain kinase; minus strand). Cytogenetic location: 3q21.1.
Variant type: single nucleotide variant.
Coding change: c.2203G>A on transcript NM_053025.4 (MANE Select); coding-DNA position 2203, G replaced by A.
Protein change: p.Gly735Ser; replaces glycine 735 with serine.
Molecular consequence: missense variant.
Genome position (GRCh38, 1-based): chr3:123,707,941, C>T on the plus strand (G>A on the coding strand, the complement: MYLK is on the minus strand). VCF-style: chr3-123707941-C-T. GRCh37 (hg19) VCF-style: chr3-123426788-C-T.
Other names: c.1675G>A, p.Gly559Ser (NM_001321309.2); c.1996G>A, p.Gly666Ser (NM_053026.4, NM_053028.4); c.2203G>A, p.Gly735Ser (NM_053027.4); c.2203G>A (NM_053025.3); short protein forms G559S, G735S, G666S.
Identifiers: ClinVar variation 3018377 (VCV003018377.3), dbSNP rs780264881, ClinGen allele CA068276.

ClinVar aggregate classification (germline): Uncertain significance. Review status: criteria provided, multiple submitters, no conflicts (2 of 4 stars). 2 submissions from 2 submitters: Uncertain significance (2). Last evaluated 2026-03-27.

Conditions:
Cardiovascular phenotype. Identifiers: MedGen CN230736.
Aortic aneurysm, familial thoracic 7 (AAT7). Also called: AORTIC DISSECTION, FAMILIAL, WITH OR WITHOUT AORTIC ANEURYSM. Identifiers: MedGen C3151077, MONDO:0013418, OMIM 613780.

Allele frequency attached by ClinVar (database versions not stated): TOPMed 0.00001; gnomAD 0.00001; ExAC 0.00002.
gnomAD v4.1: 11 of 1,613,994 alleles (0.00068%); highest among the groups gnomAD compares: South Asian, 0.0011%; no homozygotes.

Submissions (2):

Molecular Diagnostic Laboratory for Inherited Cardiovascular Disease, Montreal Heart Institute
Classification: Uncertain significance for Cardiovascular phenotype. Last evaluated: 2026-03-27. Review status: criteria provided, single submitter. Criteria: ACMG Guidelines, 2015. Collection method: clinical testing. Allele origin: germline. Affected: yes.
Comment: PM2, BP1

Labcorp Genetics (formerly Invitae), Labcorp
Classification: Uncertain significance for Aortic aneurysm, familial thoracic 7. Last evaluated: 2025-04-28. Review status: criteria provided, single submitter. Criteria: Invitae Variant Classification Sherloc (09022015). Collection method: clinical testing. Allele origin: germline.
Comment: This sequence change replaces glycine, which is neutral and non-polar, with serine, which is neutral and polar, at codon 735 of the MYLK protein (p.Gly735Ser). This variant is present in population databases (rs780264881, gnomAD 0.004%). This variant has not been reported in the literature in individuals affected with MYLK-related conditions. ClinVar contains an entry for this variant (Variation ID: 3018377). Invitae Evidence Modeling of protein sequence and biophysical properties (such as structural, functional, and spatial information, amino acid conservation, physicochemical variation, residue mobility, and thermodynamic stability) indicates that this missense variant is not expected to disrupt MYLK protein function with a negative predictive value of 80%. In summary, the available evidence is currently insufficient to determine the role of this variant in disease. Therefore, it has been classified as a Variant of Uncertain Significance.